The following is an entry in ClinVar:

NC_000011.10:g.(?_108327635)_(108331567_?)del

Genes: ATM (ATM serine/threonine kinase; plus strand), C11orf65 (chromosome 11 open reading frame 65; minus strand). Cytogenetic location: 11q22.3.
Variant type: Deletion.
Identifiers: ClinVar variation 584244 (VCV000584244.9).

ClinVar aggregate classification (germline): Pathogenic (1 of 4 stars; one submission).

Conditions:
Ataxia-telangiectasia syndrome (AT). Also called: Ataxia-telangiectasia, complementation group D; AT, COMPLEMENTATION GROUP C; Ataxia-telangiectasia, complementation group E; Cerebello-oculocutaneous telangiectasia; Immunodeficiency with ataxia telangiectasia; ATAXIA-TELANGIECTASIA, COMPLEMENTATION GROUP A. Identifiers: Orphanet 100, MedGen C0004135, MONDO:0008840, OMIM 208900.

Submission:

Labcorp Genetics (formerly Invitae), Labcorp
Classification: Pathogenic for Ataxia-telangiectasia syndrome. Last evaluated: 2023-11-09. Review status: criteria provided, single submitter. Criteria: Invitae Variant Classification Sherloc (09022015). Collection method: clinical testing. Allele origin: germline.
Comment: This variant is a gross deletion of the genomic region encompassing exon(s) 48-51 of the ATM gene. This variant would be expected to be in-frame, preserving the integrity of the reading frame. This variant has not been reported in the literature in individuals affected with ATM-related conditions. This variant disrupts a region of the ATM protein in which other variant(s) (p.Val2424Gly) have been determined to be pathogenic (PMID: 8755918, 9463314, 11830610). This suggests that this is a clinically significant region of the protein, and that variants that disrupt it are likely to be disease-causing. For these reasons, this variant has been classified as Pathogenic.

Literature cited by the submitters: PubMed 8755918; PubMed 9463314; PubMed 11830610.